The following is an entry in ClinVar:

NM_005956.4(MTHFD1):c.1661G>A (p.Gly554Asp)

Gene: MTHFD1 (methylenetetrahydrofolate dehydrogenase, cyclohydrolase and formyltetrahydrofolate synthetase 1; plus strand). Cytogenetic location: 14q23.3.
Variant type: single nucleotide variant.
Coding change: c.1661G>A on transcript NM_005956.4 (MANE Select); coding-DNA position 1661, G replaced by A.
Protein change: p.Gly554Asp; replaces glycine 554 with aspartic acid.
Molecular consequence: missense variant.
Genome position (GRCh38, 1-based): chr14:64,439,159, G>A. VCF-style: chr14-64439159-G-A. GRCh37 (hg19) VCF-style: chr14-64905877-G-A.
Other names: c.1661G>A, p.Gly554Asp (NM_001364837.1); short protein forms G554D.
Identifiers: ClinVar variation 1349646 (VCV001349646.8), dbSNP rs746960681, ClinGen allele CA7226318.

ClinVar aggregate classification (germline): Uncertain significance (1 of 4 stars; one submission).

Allele frequency attached by ClinVar (database versions not stated): gnomAD exomes below 0.00001; ExAC 0.00001.
gnomAD v4.1: 2 of 1,613,746 alleles (0.00012%); no homozygotes.

Submission:

Labcorp Genetics (formerly Invitae), Labcorp
Classification: Uncertain significance. Last evaluated: 2021-04-28. Review status: criteria provided, single submitter. Criteria: Invitae Variant Classification Sherloc (09022015). Collection method: clinical testing. Allele origin: germline.
Comment: Algorithms developed to predict the effect of missense changes on protein structure and function are either unavailable or do not agree on the potential impact of this missense change (SIFT: "Deleterious"; PolyPhen-2: "Probably Damaging"; Align-GVGD: "Class C0"). In summary, the available evidence is currently insufficient to determine the role of this variant in disease. Therefore, it has been classified as a Variant of Uncertain Significance. This sequence change replaces glycine with aspartic acid at codon 554 of the MTHFD1 protein (p.Gly554Asp). The glycine residue is highly conserved and there is a moderate physicochemical difference between glycine and aspartic acid. This variant is present in population databases (rs746960681, ExAC 0.002%). This variant has not been reported in the literature in individuals with MTHFD1-related conditions.